The following is an entry in ClinVar:

ClinVar aggregate classification (germline): Uncertain significance. Review status: criteria provided, multiple submitters, no conflicts (2 of 4 stars). 3 submissions from 3 submitters: Uncertain significance (3). Last evaluated 2024-06-23.

Conditions:
Xeroderma pigmentosum, group F (XPF). Also called: XERODERMA PIGMENTOSUM VI; XP, GROUP F; XERODERMA PIGMENTOSUM, COMPLEMENTATION GROUP F; XERODERMA PIGMENTOSUM, TYPE F; Xeroderma pigmentosum, type 6; ERCC4-Related Xeroderma Pigmentosum. Identifiers: MedGen C0268140, MONDO:0010215, OMIM 278760.
XFE progeroid syndrome (XFEPS). Also called: XPF-ERCC1 PROGEROID SYNDROME. Identifiers: MedGen C1970416, MONDO:0012590, OMIM 610965.
Fanconi anemia complementation group Q. Identifiers: Orphanet 84, MedGen C3808988, MONDO:0014108, OMIM 615272.
Cockayne syndrome. Identifiers: Orphanet 191, MedGen C0009207, MONDO:0016006.

Allele frequency attached by ClinVar (database versions not stated): 1000 Genomes Project 0.00080; 1000 Genomes Project 30x 0.00094; gnomAD exomes 0.00002 and 0.00008; ExAC 0.00007; gnomAD 0.00007 and 0.00009; TOPMed 0.00010.

Submissions (5):

St. Jude Molecular Pathology, St. Jude Children's Research Hospital
Classification: Uncertain significance for Fanconi anemia complementation group Q. Last evaluated: 2024-06-23. Review status: criteria provided, single submitter. Criteria: St. Jude Assertion Criteria 2020. Collection method: clinical testing. Allele origin: germline.
Comment: The ERCC4 c.1871G>A (p.Arg624Gln) missense change has a maximum subpopulation frequency of 0.044% in gnomAD v2.1.1. The in silico tool REVEL predicts a benign effect on protein function, but this prediction has not been confirmed by functional studies. This variant has not been reported in individuals with Fanconi anemia or xeroderma pigmentosum. In summary, the evidence currently available is insufficient to determine the clinical significance of this variant. It has therefore been classified as of uncertain significance.

Labcorp Genetics (formerly Invitae), Labcorp
Classification: Uncertain significance for Fanconi anemia complementation group Q; Xeroderma pigmentosum, group F; Cockayne syndrome. Last evaluated: 2024-05-02. Review status: criteria provided, single submitter. Criteria: Invitae Variant Classification Sherloc (09022015). Collection method: clinical testing. Allele origin: germline.
Comment: This sequence change replaces arginine, which is basic and polar, with glutamine, which is neutral and polar, at codon 624 of the ERCC4 protein (p.Arg624Gln). This variant is present in population databases (rs180919656, gnomAD 0.04%). This variant has not been reported in the literature in individuals affected with ERCC4-related conditions. ClinVar contains an entry for this variant (Variation ID: 1052608). Advanced modeling of protein sequence and biophysical properties (such as structural, functional, and spatial information, amino acid conservation, physicochemical variation, residue mobility, and thermodynamic stability) performed at Invitae indicates that this missense variant is not expected to disrupt ERCC4 protein function with a negative predictive value of 80%. Algorithms developed to predict the effect of sequence changes on RNA splicing suggest that this variant may disrupt the consensus splice site. In summary, the available evidence is currently insufficient to determine the role of this variant in disease. Therefore, it has been classified as a Variant of Uncertain Significance.

Juno Genomics, Hangzhou Juno Genomics, Inc
Classification: Uncertain significance for Xeroderma pigmentosum, group F; XFE progeroid syndrome; Fanconi anemia complementation group Q. Review status: criteria provided, single submitter. Criteria: ACMG Guidelines, 2015. Collection method: clinical testing. Allele origin: germline.
Comment: Absent from controls (or at extremely low frequency if recessive) in Genome Aggregation Database.;Multiple lines of computational evidence support a deleterious effect on the gene or gene product.

Dr. Peter K. Rogan Lab, Western University
No classification provided (evidence only). Condition: Sarcoma. Review status: no classification provided. Collection method: in vitro. Allele origin: not applicable. Functional consequence: retained intron. Not counted in ClinVar's aggregate classification.

Dr. Peter K. Rogan Lab, Western University
No classification provided (evidence only). Condition: Gastric cancer. Review status: no classification provided. Collection method: in vitro. Allele origin: not applicable. Functional consequence: retained intron. Not counted in ClinVar's aggregate classification.

NM_005236.3(ERCC4):c.1871G>A (p.Arg624Gln)

Gene: ERCC4 (ERCC excision repair 4, endonuclease catalytic subunit; plus strand). Cytogenetic location: 16p13.12.
Variant type: single nucleotide variant.
Coding change: c.1871G>A on transcript NM_005236.3 (MANE Select); coding-DNA position 1871, G replaced by A.
Protein change: p.Arg624Gln; replaces arginine 624 with glutamine.
Molecular consequence: missense variant.
Genome position (GRCh38, 1-based): chr16:13,937,825, G>A. VCF-style: chr16-13937825-G-A. GRCh37 (hg19) VCF-style: chr16-14031682-G-A.
Other names: short protein forms R624Q.
Identifiers: ClinVar variation 1052608 (VCV001052608.12), dbSNP rs180919656, ClinGen allele CA7910580.